The following is an entry in ClinVar:

NM_000051.4(ATM):c.2318T>C (p.Ile773Thr)

Gene: ATM (ATM serine/threonine kinase; plus strand). Cytogenetic location: 11q22.3.
Variant type: single nucleotide variant.
Coding change: c.2318T>C on transcript NM_000051.4 (MANE Select); coding-DNA position 2318, T replaced by C.
Protein change: p.Ile773Thr; replaces isoleucine 773 with threonine.
Molecular consequence: missense variant.
Genome position (GRCh38, 1-based): chr11:108,257,548, T>C. VCF-style: chr11-108257548-T-C. GRCh37 (hg19) VCF-style: chr11-108128275-T-C.
Other names: c.2318T>C, p.Ile773Thr (NM_001351834.2); short protein forms I773T.
Identifiers: ClinVar variation 3688613 (VCV003688613.3).

ClinVar aggregate classification (germline): Uncertain significance. Review status: criteria provided, multiple submitters, no conflicts (2 of 4 stars). 2 submissions from 2 submitters: Uncertain significance (2). Last evaluated 2026-04-07.

Conditions:
Hereditary cancer-predisposing syndrome. Also called: Hereditary Cancer Syndrome; Hereditary neoplastic syndrome; Neoplastic Syndromes, Hereditary; Tumor predisposition. Identifiers: Orphanet 140162, MedGen C0027672, MeSH D009386, MONDO:0015356.
Ataxia-telangiectasia syndrome (AT). Also called: Ataxia-telangiectasia, complementation group D; AT, COMPLEMENTATION GROUP C; LOUIS-BAR SYNDROME; Cerebello-oculocutaneous telangiectasia; Immunodeficiency with ataxia telangiectasia; ATAXIA-TELANGIECTASIA, COMPLEMENTATION GROUP A. Identifiers: Orphanet 100, MedGen C0004135, MONDO:0008840, OMIM 208900.

Submissions (2):

Ambry Genetics
Classification: Uncertain significance for Hereditary cancer-predisposing syndrome. Last evaluated: 2026-04-07. Review status: criteria provided, single submitter. Criteria: Ambry Variant Classification Scheme 2023. Collection method: clinical testing. Allele origin: germline.
Comment: The p.I773T variant (also known as c.2318T>C), located in coding exon 14 of the ATM gene, results from a T to C substitution at nucleotide position 2318. The isoleucine at codon 773 is replaced by threonine, an amino acid with similar properties. In an assay testing ATM function, this variant showed a functionally normal result (Lee KS et al. Cell, 2025 Sep;188:5081-5099.e27). This amino acid position is well conserved in available vertebrate species. In addition, the in silico prediction for this alteration is inconclusive. Based on the available evidence, the clinical significance of this variant remains unclear.

Labcorp Genetics (formerly Invitae), Labcorp
Classification: Uncertain significance for Ataxia-telangiectasia syndrome. Last evaluated: 2024-08-28. Review status: criteria provided, single submitter. Criteria: Invitae Variant Classification Sherloc (09022015). Collection method: clinical testing. Allele origin: germline.
Comment: This sequence change replaces isoleucine, which is neutral and non-polar, with threonine, which is neutral and polar, at codon 773 of the ATM protein (p.Ile773Thr). This variant is not present in population databases (gnomAD no frequency). This variant has not been reported in the literature in individuals affected with ATM-related conditions. An algorithm developed to predict the effect of missense changes on protein structure and function (PolyPhen-2) suggests that this variant is likely to be tolerated. In summary, the available evidence is currently insufficient to determine the role of this variant in disease. Therefore, it has been classified as a Variant of Uncertain Significance.

Literature cited by the submitters: PubMed 40580951 (cited by Ambry Genetics).